The following is an entry in ClinVar:

ClinVar aggregate classification (germline): Benign (1 of 4 stars; one submission).

Allele frequency attached by ClinVar (database versions not stated): gnomAD 0.21155 and 0.21220; 1000 Genomes Project 0.52376.

Submission:

GeneDx
Classification: Benign. Last evaluated: 2018-06-16. Review status: criteria provided, single submitter. Criteria: GeneDx Variant Classification (06012015). Collection method: clinical testing. Allele origin: germline. Affected: yes.
Comment: This variant is considered likely benign or benign based on one or more of the following criteria: it is a conservative change, it occurs at a poorly conserved position in the protein, it is predicted to be benign by multiple in silico algorithms, and/or has population frequency not consistent with disease.

NM_006031.6(PCNT):c.6150+150A>C

Gene: PCNT (pericentrin; plus strand). Cytogenetic location: 21q22.3.
Variant type: single nucleotide variant.
Coding change: c.6150+150A>C on transcript NM_006031.6 (MANE Select); 150 bases into the intron after coding-DNA position 6150, A replaced by C.
Molecular consequence: intron variant.
Genome position (GRCh38, 1-based): chr21:46,413,142, A>C. VCF-style: chr21-46413142-A-C. GRCh37 (hg19) VCF-style: chr21-47833056-A-C.
Other names: c.5796+150A>C (NM_001315529.2).
Identifiers: ClinVar variation 670471 (VCV000670471.1), dbSNP rs4577375, ClinGen allele CA321998550.
Genomic context (GRCh38, chr21:46,413,142, plus strand): 5'-ACCCGGGAGAGGCTGGACACGCGGCAGCAAGGTGTGGGGAGCGGGGAAGGCACGAGGCCC[A>C]CCCGGGAGAGGCTGGACACGCGGCAGCAAGGTGTGGGGAGCGGGGAAGGCACGAGGCCCA-3'